The following is an entry in ClinVar:

ClinVar aggregate classification (germline): Benign. Review status: criteria provided, multiple submitters, no conflicts (2 of 4 stars). 3 submissions from 3 submitters: Benign (2). 1 of the submissions does not count toward it. Last evaluated 2018-07-11.

Conditions:
SERPIND1-related disorder. Also called: SERPIND1-related condition.

Allele frequency attached by ClinVar (database versions not stated): gnomAD exomes 0.00028 and 0.00068; ExAC 0.00086; TOPMed 0.00296; 1000 Genomes Project 30x 0.00297; gnomAD 0.00297 and 0.00325; 1000 Genomes Project 0.00300; ESP Exome Variant Server 0.00300.
gnomAD v4.1: 879 of 1,614,164 alleles (0.054%); highest among the groups gnomAD compares: African/African-American, 1%; 5 homozygotes.

Submissions (3):

Labcorp Genetics (formerly Invitae), Labcorp
Classification: Benign. Last evaluated: 2018-07-11. Review status: criteria provided, single submitter. Criteria: Invitae Variant Classification Sherloc (09022015). Collection method: clinical testing. Allele origin: germline.

Breakthrough Genomics
Classification: Benign. Review status: criteria provided, single submitter. Criteria: ACMG Guidelines, 2015. Collection method: not provided. Allele origin: germline. Inheritance: Autosomal dominant inheritance. Affected: yes.

PreventionGenetics, part of Exact Sciences
Classification: Likely benign for SERPIND1-related condition. Last evaluated: 2024-02-28. Review status: no assertion criteria provided. Collection method: clinical testing. Allele origin: germline. Not counted in ClinVar's aggregate classification.
Comment: This variant is classified as likely benign based on ACMG/AMP sequence variant interpretation guidelines (Richards et al. 2015 PMID: 25741868, with internal and published modifications).

NM_000185.4(SERPIND1):c.1164-5T>C

Genes: PI4KA (phosphatidylinositol 4-kinase alpha; minus strand), SERPIND1 (serpin family D member 1; plus strand). Cytogenetic location: 22q11.21.
Variant type: single nucleotide variant.
Coding change: c.1164-5T>C on transcript NM_000185.4 (MANE Select); 5 bases into the intron before coding-DNA position 1164, T replaced by C.
Molecular consequence: intron variant.
Genome position (GRCh38, 1-based): chr22:20,785,999, T>C. VCF-style: chr22-20785999-T-C. GRCh37 (hg19) VCF-style: chr22-21140287-T-C.
Other names: c.2262+7194A>G (NM_001362863.2); c.2328+7194A>G (NM_001362862.2, NM_058004.4).
Identifiers: ClinVar variation 710163 (VCV000710163.6), dbSNP rs73877786, ClinGen allele CA10116060.
Genomic context (GRCh38, chr22:20,785,999, plus strand): 5'-AAATCATGATTCTTTTGTAACTTGTGGTTCAATAAAACTGGGCCCCCCTTTCCTTTTCTG[T>C]CTAGAACTCGAGAAGTGCTTCTGCCGAAATTCAAGCTGGAGAAGAACTACAATCTAGTGG-3'